The following is an entry in ClinVar:

NM_006231.4(POLE):c.704A>T (p.Asp235Val)

Gene: POLE (DNA polymerase epsilon, catalytic subunit; minus strand). Cytogenetic location: 12q24.33.
Variant type: single nucleotide variant.
Coding change: c.704A>T on transcript NM_006231.4 (MANE Select); coding-DNA position 704, A replaced by T.
Protein change: p.Asp235Val; replaces aspartic acid 235 with valine.
Molecular consequence: missense variant.
Genome position (GRCh38, 1-based): chr12:132,677,594, T>A on the plus strand (A>T on the coding strand, the complement: POLE is on the minus strand). VCF-style: chr12-132677594-T-A. GRCh37 (hg19) VCF-style: chr12-133254180-T-A.
Other names: short protein forms D235V.
Identifiers: ClinVar variation 943345 (VCV000943345.9), dbSNP rs2043083641, ClinGen allele CA387364647.
Genomic context (GRCh38, chr12:132,677,594, plus strand): 5'-TTAGGAAATTCATGTGAGCAGCGACCCAACCCTGCCCCACTCACCACGTGGATCTTCAGG[T>A]CAATGGAGAGGCGGATGTGGTAGGGAACATCGTACTCGCGCATGTCCACAATGTTGTCCA-3'
Protein context (NP_006222.2, residues 225-245): DVPYHIRLSI[Asp235Val]LKIHVAHWYN

ClinVar aggregate classification (germline): Uncertain significance (1 of 4 stars; one submission).

Submission:

Labcorp Genetics (formerly Invitae), Labcorp
Classification: Uncertain significance. Last evaluated: 2019-09-26. Review status: criteria provided, single submitter. Criteria: Invitae Variant Classification Sherloc (09022015). Collection method: clinical testing. Allele origin: germline.
Comment: In summary, the available evidence is currently insufficient to determine the role of this variant in disease. Therefore, it has been classified as a Variant of Uncertain Significance. Algorithms developed to predict the effect of missense changes on protein structure and function (SIFT, PolyPhen-2, Align-GVGD) all suggest that this variant is likely to be disruptive, but these predictions have not been confirmed by published functional studies and their clinical significance is uncertain. This variant has not been reported in the literature in individuals with POLE-related conditions. This variant is not present in population databases (ExAC no frequency). This sequence change replaces aspartic acid with valine at codon 235 of the POLE protein (p.Asp235Val). The aspartic acid residue is highly conserved and there is a large physicochemical difference between aspartic acid and valine.